The following is an entry in ClinVar:

NM_000419.5(ITGA2B):c.2850G>A (p.Leu950=)

Gene: ITGA2B (integrin subunit alpha 2b; minus strand). Cytogenetic location: 17q21.31.
Variant type: single nucleotide variant.
Coding change: c.2850G>A on transcript NM_000419.5 (MANE Select); coding-DNA position 2850, G replaced by A.
Protein change: p.Leu950=; no amino-acid change (leucine 950 retained).
Molecular consequence: synonymous variant.
Genome position (GRCh38, 1-based): chr17:44,374,752, C>T on the plus strand (G>A on the coding strand, the complement: ITGA2B is on the minus strand). VCF-style: chr17-44374752-C-T. GRCh37 (hg19) VCF-style: chr17-42452120-C-T.
Identifiers: ClinVar variation 2858704 (VCV002858704.3), dbSNP rs763618505, ClinGen allele CA8602550.
Genomic context (GRCh38, chr17:44,374,752, plus strand): 5'-CACCGCATAGGGGAGGGAGGACACGTTGAACCATGCGTGCGACTGCAGCACAAACTGATC[C>T]AGAGGCCTCTGGACAGGTTGGGGTTGAAAGCCGTTTACACCCACAAGAGGCCTATTGGTT-3'
Protein context (NP_000410.2, residues 940-960): LWLPSLYQRP[Leu950=]DQFVLQSHAW

ClinVar aggregate classification (germline): Uncertain significance (1 of 4 stars; one submission).

Conditions:
Glanzmann thrombasthenia. Also called: THROMBASTHENIA OF GLANZMANN AND NAEGELI; BLEEDING DISORDER, PLATELET-TYPE, 2; PLATELET GLYCOPROTEIN IIb-IIIa DEFICIENCY; Thrombasthenia; Glanzmann's thrombasthenia. Identifiers: Orphanet 849, MedGen C0040015, MONDO:0100326.

Allele frequency attached by ClinVar (database versions not stated): ExAC 0.00003; TOPMed 0.00003; gnomAD 0.00005; gnomAD exomes 0.00007.
gnomAD v4.1: 119 of 1,613,854 alleles (0.0074%); highest among the groups gnomAD compares: Non-Finnish European, 0.0094%; no homozygotes.

Submission:

Labcorp Genetics (formerly Invitae), Labcorp
Classification: Uncertain significance for Glanzmann thrombasthenia. Last evaluated: 2025-08-04. Review status: criteria provided, single submitter. Criteria: Invitae Variant Classification Sherloc (09022015). Collection method: clinical testing. Allele origin: germline.
Comment: This sequence change affects codon 950 of the ITGA2B mRNA. It is a 'silent' change, meaning that it does not change the encoded amino acid sequence of the ITGA2B protein. This variant is present in population databases (rs763618505, gnomAD 0.004%). This variant has not been reported in the literature in individuals affected with ITGA2B-related conditions. ClinVar contains an entry for this variant (Variation ID: 2858704). Algorithms developed to predict the effect of sequence changes on RNA splicing suggest that this variant may disrupt the consensus splice site. In summary, the available evidence is currently insufficient to determine the role of this variant in disease. Therefore, it has been classified as a Variant of Uncertain Significance.